The following is an entry in ClinVar:

ClinVar aggregate classification (germline): Conflicting classifications of pathogenicity. Review status: criteria provided, conflicting classifications (1 of 4 stars). 9 submissions from 9 submitters: Uncertain significance (1); Benign (2); Likely benign (4). 2 of the submissions do not count toward it. Last evaluated 2026-01-28.

Conditions:
CPS1-related disorder. Also called: CPS1-related condition.
Congenital hyperammonemia, type I. Also called: Carbamoyl-phosphate synthase I deficiency; CPS I DEFICIENCY; Carbamoyl phosphate synthetase I deficiency disease; Carbamoyl phosphate synthetase 1 deficiency; Hyperammonemia due to carbamoyl phosphate synthetase 1 deficiency; CPS 1 deficiency. Identifiers: Orphanet 147, MedGen C4082171, MONDO:0009376, OMIM 237300.
Inborn genetic diseases. Identifiers: MedGen C0950123, MeSH D030342.

Allele frequency attached by ClinVar (database versions not stated): 1000 Genomes Project 0.00200; 1000 Genomes Project 30x 0.00203; gnomAD 0.00616 and 0.00617; TOPMed 0.00620; ExAC 0.00633; gnomAD exomes 0.00639 and 0.01082; ESP Exome Variant Server 0.00877.
gnomAD v4.1: 16,761 of 1,613,504 alleles (1%); highest among the groups gnomAD compares: Non-Finnish European, 1.2%; 118 homozygotes.

Submissions (9):

Labcorp Genetics (formerly Invitae), Labcorp
Classification: Likely benign for Congenital hyperammonemia, type I. Last evaluated: 2026-01-28. Review status: criteria provided, single submitter. Criteria: Invitae Variant Classification Sherloc (09022015). Collection method: clinical testing. Allele origin: germline.

CeGaT Center for Human Genetics Tuebingen
Classification: Benign. Last evaluated: 2025-01-01. Review status: criteria provided, single submitter. Criteria: CeGaT Center For Human Genetics Tuebingen Variant Classification Criteria Version 2. Collection method: clinical testing. Allele origin: germline. Affected: yes. Observed: 15 variant alleles.
Comment: CPS1: BS1, BS2

Ambry Genetics
Classification: Likely benign for Inborn genetic diseases. Last evaluated: 2022-05-09. Review status: criteria provided, single submitter. Criteria: Ambry Variant Classification Scheme 2023. Collection method: clinical testing. Allele origin: germline.

GeneDx
Classification: Benign. Last evaluated: 2021-01-08. Review status: criteria provided, single submitter. Criteria: GeneDx Variant Classification Process June 2021. Collection method: clinical testing. Allele origin: germline. Affected: yes.
Comment: This variant is associated with the following publications: (PMID: 18666241)

Mendelics
Classification: Likely benign for Congenital hyperammonemia, type I. Last evaluated: 2019-05-28. Review status: criteria provided, single submitter. Criteria: Mendelics Assertion Criteria 2017. Collection method: clinical testing. Allele origin: unknown.

Illumina Laboratory Services, Illumina
Classification: Likely benign for Congenital hyperammonemia, type I. Last evaluated: 2018-01-13. Review status: criteria provided, single submitter. Criteria: ICSL Variant Classification Criteria 13 December 2019. Collection method: clinical testing. Allele origin: germline.
Comment: This variant was observed in the ICSL laboratory as part of a predisposition screen in an ostensibly healthy population. It had not been previously curated by ICSL or reported in the Human Gene Mutation Database (HGMD: prior to June 1st, 2018), and was therefore a candidate for classification through an automated scoring system. Utilizing variant allele frequency, disease prevalence and penetrance estimates, and inheritance mode, an automated score was calculated to assess if this variant is too frequent to cause the disease. Based on the score and internal cut-off values, a variant classified as likely benign is not then subjected to further curation. The score for this variant resulted in a classification of likely benign for this disease.

Center for Pediatric Genomic Medicine, Children's Mercy Hospital and Clinics
Classification: Uncertain significance. Last evaluated: 2017-06-15. Review status: criteria provided, single submitter. Criteria: ACMG Guidelines, 2015. Collection method: clinical testing. Allele origin: germline.

PreventionGenetics, part of Exact Sciences
Classification: Benign for CPS1-related condition. Last evaluated: 2021-10-12. Review status: no assertion criteria provided. Collection method: clinical testing. Allele origin: germline. Not counted in ClinVar's aggregate classification.
Comment: This variant is classified as benign based on ACMG/AMP sequence variant interpretation guidelines (Richards et al. 2015 PMID: 25741868, with internal and published modifications).

Natera, Inc.
Classification: Benign for Carbamoyl-phosphate synthase I deficiency. Last evaluated: 2020-01-10. Review status: no assertion criteria provided. Collection method: clinical testing. Allele origin: germline. Not counted in ClinVar's aggregate classification.

NM_001875.5(CPS1):c.449G>A (p.Gly150Glu)

Gene: CPS1 (carbamoyl-phosphate synthase 1; plus strand). Cytogenetic location: 2q34.
Variant type: single nucleotide variant.
Coding change: c.449G>A on transcript NM_001875.5 (MANE Select); coding-DNA position 449, G replaced by A.
Protein change: p.Gly150Glu; replaces glycine 150 with glutamic acid.
Molecular consequence: missense variant. On other transcripts: non-coding transcript variant (1).
Genome position (GRCh38, 1-based): chr2:210,577,488, G>A. VCF-style: chr2-210577488-G-A. GRCh37 (hg19) VCF-style: chr2-211442212-G-A.
Other names: c.449G>A, p.Gly150Glu (NM_001122633.3, NM_001369257.1); c.482G>A, p.Gly161Glu (NM_001369256.1); c.449G>A (LRG_336t1); short protein forms G150E, G161E.
Identifiers: ClinVar variation 334013 (VCV000334013.51), dbSNP rs114819130, ClinGen allele CA2086026.